The following is an entry in ClinVar:

ClinVar aggregate classification (germline): Uncertain significance (1 of 4 stars; one submission).

Conditions:
Familial hemiplegic migraine. Identifiers: MedGen C0338484, MONDO:0000700.

Allele frequency attached by ClinVar (database versions not stated): TOPMed 0.00002.

Submission:

Labcorp Genetics (formerly Invitae), Labcorp
Classification: Uncertain significance for Familial hemiplegic migraine. Last evaluated: 2025-08-15. Review status: criteria provided, single submitter. Criteria: Invitae Variant Classification Sherloc (09022015). Collection method: clinical testing. Allele origin: germline.
Comment: This sequence change replaces histidine, which is basic and polar, with glutamine, which is neutral and polar, at codon 207 of the ATP1A2 protein (p.His207Gln). This variant is not present in population databases (gnomAD no frequency). This variant has not been reported in the literature in individuals affected with ATP1A2-related conditions. ClinVar contains an entry for this variant (Variation ID: 938470). Invitae Evidence Modeling of protein sequence and biophysical properties (such as structural, functional, and spatial information, amino acid conservation, physicochemical variation, residue mobility, and thermodynamic stability) indicates that this missense variant is not expected to disrupt ATP1A2 protein function with a negative predictive value of 80%. In summary, the available evidence is currently insufficient to determine the role of this variant in disease. Therefore, it has been classified as a Variant of Uncertain Significance.

NM_000702.4(ATP1A2):c.621T>A (p.His207Gln)

Genes: ATP1A2 (ATPase Na+/K+ transporting subunit alpha 2; plus strand), LOC126805890 (CDK7 strongly-dependent group 2 enhancer GRCh37_chr1:160093987-160095186; plus strand). Cytogenetic location: 1q23.2.
Variant type: single nucleotide variant.
Coding change: c.621T>A on transcript NM_000702.4 (MANE Select); coding-DNA position 621, T replaced by A.
Protein change: p.His207Gln; replaces histidine 207 with glutamine.
Molecular consequence: missense variant.
Genome position (GRCh38, 1-based): chr1:160,124,421, T>A. VCF-style: chr1-160124421-T-A. GRCh37 (hg19) VCF-style: chr1-160094211-T-A.
Other names: short protein forms H207Q.
Identifiers: ClinVar variation 938470 (VCV000938470.10), dbSNP rs1048175233, ClinGen allele CA31490198.